The following is an entry in ClinVar:

NM_004364.5(CEBPA):c.353C>T (p.Ala118Val)

Gene: CEBPA (CCAAT enhancer binding protein alpha; minus strand). Cytogenetic location: 19q13.11.
Variant type: single nucleotide variant.
Coding change: c.353C>T on transcript NM_004364.5 (MANE Select); coding-DNA position 353, C replaced by T.
Protein change: p.Ala118Val; replaces alanine 118 with valine.
Molecular consequence: missense variant. On other transcripts: 5 prime UTR variant (1).
Genome position (GRCh38, 1-based): chr19:33,302,062, G>A on the plus strand (C>T on the coding strand, the complement: CEBPA is on the minus strand). VCF-style: chr19-33302062-G-A. GRCh37 (hg19) VCF-style: chr19-33792968-G-A.
Other names: c.-5C>T (NM_001285829.2); c.458C>T, p.Ala153Val (NM_001287424.2); c.311C>T, p.Ala104Val (NM_001287435.2); c.353C>T (NM_004364.3); short protein forms A153V, A104V, A118V.
Identifiers: ClinVar variation 1427684 (VCV001427684.9), dbSNP rs2145262747, ClinGen allele CA405275127.
Genomic context (GRCh38, chr19:33,302,062, plus strand): 5'-TAGCCGGCGGCCGCGCAGCCGTAGCCGGGCGGGGGCCCGTGCGCTCCCCCGGGCATGACG[G>A]CGCCGCCGGGGCCCGCGGGCGCGCCCGGGTAGTCAAAGTCGCCGCCGCCGCCGCCGCCCG-3'
Protein context (NP_004355.2, residues 108-128): YPGAPAGPGG[Ala118Val]VMPGGAHGPP

ClinVar aggregate classification (germline): Uncertain significance. Review status: criteria provided, multiple submitters, no conflicts (2 of 4 stars). 2 submissions from 2 submitters: Uncertain significance (2). Last evaluated 2025-01-25.

Conditions:
Inborn genetic diseases. Identifiers: MedGen C0950123, MeSH D030342.
Acute myeloid leukemia (AML). Also called: Leukemia, acute myeloid, somatic; Leukemia, acute myelogenous, somatic; Acute myeloid leukemia, adult; AML adult; Acute non-lymphocytic leukemia; Acute granulocytic leukemia. Identifiers: Orphanet 519, MedGen C0023467, MeSH D015470, MONDO:0018874, OMIM 601626, HP:0004808. Disease mechanism: Constitutively activated FLT3.

Submissions (2):

Ambry Genetics
Classification: Uncertain significance for Inborn genetic diseases. Last evaluated: 2025-01-25. Review status: criteria provided, single submitter. Criteria: Ambry Variant Classification Scheme 2023. Collection method: clinical testing. Allele origin: germline.
Comment: The p.A118V variant (also known as c.353C>T), located in coding exon 1 of the CEBPA gene, results from a C to T substitution at nucleotide position 353. The alanine at codon 118 is replaced by valine, an amino acid with similar properties. This amino acid position is conserved. In addition, this alteration is predicted to be tolerated by in silico analysis. Based on the available evidence, the clinical significance of this variant remains unclear.

Labcorp Genetics (formerly Invitae), Labcorp
Classification: Uncertain significance for Acute myeloid leukemia. Last evaluated: 2023-06-15. Review status: criteria provided, single submitter. Criteria: Invitae Variant Classification Sherloc (09022015). Collection method: clinical testing. Allele origin: germline.
Comment: The frequency data for this variant in the population databases is considered unreliable, as metrics indicate insufficient coverage at this position in the gnomAD database. This sequence change replaces alanine, which is neutral and non-polar, with valine, which is neutral and non-polar, at codon 118 of the CEBPA protein (p.Ala118Val). This variant has not been reported in the literature in individuals affected with CEBPA-related conditions. In summary, the available evidence is currently insufficient to determine the role of this variant in disease. Therefore, it has been classified as a Variant of Uncertain Significance. An algorithm developed to predict the effect of missense changes on protein structure and function (PolyPhen-2) suggests that this variant is likely to be tolerated. ClinVar contains an entry for this variant (Variation ID: 1427684).